The following is an entry in ClinVar:

NM_000051.4(ATM):c.1212G>A (p.Gln404=)

Gene: ATM (ATM serine/threonine kinase; plus strand). Cytogenetic location: 11q22.3.
Variant type: single nucleotide variant.
Coding change: c.1212G>A on transcript NM_000051.4 (MANE Select); coding-DNA position 1212, G replaced by A.
Protein change: p.Gln404=; no amino-acid change (glutamine 404 retained).
Molecular consequence: synonymous variant.
Genome position (GRCh38, 1-based): chr11:108,249,079, G>A. VCF-style: chr11-108249079-G-A. GRCh37 (hg19) VCF-style: chr11-108119806-G-A.
Other names: c.1212G>A, p.Gln404= (NM_001351834.2).
Identifiers: ClinVar variation 184526 (VCV000184526.20), dbSNP rs786201519, ClinGen allele CA189203.

ClinVar aggregate classification (germline): Benign/Likely benign. Review status: criteria provided, multiple submitters, no conflicts (2 of 4 stars). 7 submissions from 7 submitters: Benign (1); Likely benign (6). Last evaluated 2025-11-17.

Conditions:
Hereditary cancer-predisposing syndrome. Also called: Tumor predisposition; Hereditary Cancer Syndrome; Hereditary neoplastic syndrome; Neoplastic Syndromes, Hereditary. Identifiers: Orphanet 140162, MedGen C0027672, MeSH D009386, MONDO:0015356.
Familial cancer of breast. Also called: BREAST CANCER, FAMILIAL; hereditary breast carcinoma; Hereditary breast cancer. Identifiers: Orphanet 227535, MedGen C0346153, MONDO:0016419, OMIM 114480. Disease mechanism: loss of function.
Ataxia-telangiectasia syndrome (AT). Also called: LOUIS-BAR SYNDROME; Cerebello-oculocutaneous telangiectasia; Immunodeficiency with ataxia telangiectasia; ATAXIA-TELANGIECTASIA, COMPLEMENTATION GROUP A; ATAXIA-TELANGIECTASIA, FRESNO VARIANT; Ataxia-telangiectasia. Identifiers: Orphanet 100, MedGen C0004135, MONDO:0008840, OMIM 208900.

Allele frequency attached by ClinVar (database versions not stated): gnomAD exomes 0.00001.
gnomAD v4.1: 8 of 1,613,984 alleles (0.0005%); highest among the groups gnomAD compares: Non-Finnish European, 0.00068%; no homozygotes.

Submissions (7):

Labcorp Genetics (formerly Invitae), Labcorp
Classification: Likely benign for Ataxia-telangiectasia syndrome. Last evaluated: 2025-11-17. Review status: criteria provided, single submitter. Criteria: Invitae Variant Classification Sherloc (09022015). Collection method: clinical testing. Allele origin: germline.

Myriad Genetics, Inc.
Classification: Benign for Familial cancer of breast. Last evaluated: 2024-04-25. Review status: criteria provided, single submitter. Criteria: Myriad Autosomal Dominant, Autosomal Recessive and X-Linked Classification Criteria (2023). Collection method: clinical testing. Allele origin: unknown.
Comment: This variant is considered benign. This variant is a silent/synonymous amino acid change and it is not expected to impact splicing.

Women's Health and Genetics/Laboratory Corporation of America, LabCorp
Classification: Likely benign. Last evaluated: 2023-11-30. Review status: criteria provided, single submitter. Criteria: LabCorp Variant Classification Summary - May 2015. Collection method: clinical testing. Allele origin: germline.

Department of Pathology and Laboratory Medicine, Sinai Health System
Classification: Likely benign for Familial cancer of breast. Last evaluated: 2021-03-08. Review status: criteria provided, single submitter. Criteria: ACMG Guidelines, 2015. Collection method: clinical testing. Allele origin: germline. Affected: yes.

Color Diagnostics, LLC DBA Color Health
Classification: Likely benign for Hereditary cancer-predisposing syndrome. Last evaluated: 2017-05-25. Review status: criteria provided, single submitter. Criteria: ACMG Guidelines, 2015. Collection method: clinical testing. Allele origin: germline.

GeneDx
Classification: Likely benign. Last evaluated: 2016-05-25. Review status: criteria provided, single submitter. Criteria: GeneDx Variant Classification (06012015). Collection method: clinical testing. Allele origin: germline. Affected: yes.
Comment: This variant is considered likely benign or benign based on one or more of the following criteria: it is a conservative change, it occurs at a poorly conserved position in the protein, it is predicted to be benign by multiple in silico algorithms, and/or has population frequency not consistent with disease.

Ambry Genetics
Classification: Likely benign for Hereditary cancer-predisposing syndrome. Last evaluated: 2014-06-19. Review status: criteria provided, single submitter. Criteria: Ambry Variant Classification Scheme 2023. Collection method: clinical testing. Allele origin: germline.